The following is an entry in ClinVar:

ClinVar aggregate classification (germline): Benign/Likely benign. Review status: criteria provided, multiple submitters, no conflicts (2 of 4 stars). 5 submissions from 5 submitters: Benign (1); Likely benign (4). Last evaluated 2026-09-01.

Allele frequency attached by ClinVar (database versions not stated): gnomAD 0.00371 and 0.00372; TOPMed 0.00430; gnomAD exomes 0.00492 and 0.00498; ExAC 0.00772; 1000 Genomes Project 0.00200; 1000 Genomes Project 30x 0.00250.
gnomAD v4.1: 7,509 of 1,529,890 alleles (0.49%); highest among the groups gnomAD compares: Middle Eastern, 0.97%; 23 homozygotes.

Submissions (5):

CeGaT Center for Human Genetics Tuebingen
Classification: Likely benign. Last evaluated: 2026-09-01. Review status: criteria provided, single submitter. Criteria: CeGaT Center For Human Genetics Tuebingen Variant Classification Criteria Version 2. Collection method: clinical testing. Allele origin: germline. Affected: yes. Observed: 17 variant alleles.
Comment: APC2: BS2

Labcorp Genetics (formerly Invitae), Labcorp
Classification: Benign. Last evaluated: 2026-01-19. Review status: criteria provided, single submitter. Criteria: Invitae Variant Classification Sherloc (09022015). Collection method: clinical testing. Allele origin: germline.

Blueprint Genetics
Classification: Likely benign. Last evaluated: 2024-11-27. Review status: criteria provided, single submitter. Criteria: ACMG Guidelines, 2015. Collection method: clinical testing. Allele origin: germline.

Center for Pediatric Genomic Medicine, Children's Mercy Hospital and Clinics
Classification: Likely benign. Last evaluated: 2017-06-26. Review status: criteria provided, single submitter. Criteria: ACMG Guidelines, 2015. Collection method: clinical testing. Allele origin: germline.

Breakthrough Genomics
Classification: Likely benign. Review status: criteria provided, single submitter. Criteria: ACMG Guidelines, 2015. Collection method: not provided. Allele origin: germline. Inheritance: Autosomal recessive inheritance. Affected: yes.

NM_005883.3(APC2):c.971C>T (p.Thr324Ile)

Gene: APC2 (APC regulator of Wnt signaling pathway 2; plus strand). Cytogenetic location: 19p13.3.
Variant type: single nucleotide variant.
Coding change: c.971C>T on transcript NM_005883.3 (MANE Select); coding-DNA position 971, C replaced by T.
Protein change: p.Thr324Ile; replaces threonine 324 with isoleucine.
Molecular consequence: missense variant.
Genome position (GRCh38, 1-based): chr19:1,457,007, C>T. VCF-style: chr19-1457007-C-T. GRCh37 (hg19) VCF-style: chr19-1457006-C-T.
Other names: c.968C>T, p.Thr323Ile (NM_001351273.1); short protein forms T324I, T323I.
Identifiers: ClinVar variation 445326 (VCV000445326.36), dbSNP rs201709261, ClinGen allele CA9044937.
Genomic context (GRCh38, chr19:1,457,007, plus strand): 5'-GCTGCGTGGCCATGCGCCGCTCGGGCTGTCTGCCTCTGCTGCTGCAAATCCTCCACGGCA[C>T]CGAGGCCGCGGCCGGGGGTCGCGCCGGGGCCCCAGGGGCACCGGGCGCCAAGGACGCACG-3'
Protein context (NP_005874.1, residues 314-334): LPLLLQILHG[Thr324Ile]EAAAGGRAGA